The following is an entry in ClinVar:

ClinVar aggregate classification (germline): Uncertain significance (1 of 4 stars; one submission).

Conditions:
RYR1-related disorder. Also called: RYR1-related condition; RYR1-related disorders. Identifiers: MedGen CN239331.

Submission:

Labcorp Genetics (formerly Invitae), Labcorp
Classification: Uncertain significance for RYR1-related disorder. Last evaluated: 2022-07-03. Review status: criteria provided, single submitter. Criteria: Invitae Variant Classification Sherloc (09022015). Collection method: clinical testing. Allele origin: germline.
Comment: In summary, the available evidence is currently insufficient to determine the role of this variant in disease. Therefore, it has been classified as a Variant of Uncertain Significance. Advanced modeling of protein sequence and biophysical properties (such as structural, functional, and spatial information, amino acid conservation, physicochemical variation, residue mobility, and thermodynamic stability) performed at Invitae indicates that this missense variant is expected to disrupt RYR1 protein function. This variant has not been reported in the literature in individuals affected with RYR1-related conditions. This variant is not present in population databases (gnomAD no frequency). This sequence change replaces phenylalanine, which is neutral and non-polar, with serine, which is neutral and polar, at codon 4809 of the RYR1 protein (p.Phe4809Ser).

NM_000540.3(RYR1):c.14426T>C (p.Phe4809Ser)

Gene: RYR1 (ryanodine receptor 1; plus strand). Cytogenetic location: 19q13.2.
Variant type: single nucleotide variant.
Coding change: c.14426T>C on transcript NM_000540.3 (MANE Select); coding-DNA position 14426, T replaced by C.
Protein change: p.Phe4809Ser; replaces phenylalanine 4809 with serine.
Molecular consequence: missense variant.
Genome position (GRCh38, 1-based): chr19:38,580,043, T>C. VCF-style: chr19-38580043-T-C. GRCh37 (hg19) VCF-style: chr19-39070683-T-C.
Other names: c.14411T>C, p.Phe4804Ser (NM_001042723.2); short protein forms F4804S, F4809S.
Identifiers: ClinVar variation 2126543 (VCV002126543.4), dbSNP rs2514748857, ClinGen allele CA405687070.